The following is an entry in ClinVar:

ClinVar aggregate classification (germline): Uncertain significance. Review status: criteria provided, multiple submitters, no conflicts (2 of 4 stars). 2 submissions from 2 submitters: Uncertain significance (2). Last evaluated 2025-11-23.

Conditions:
Inborn genetic diseases. Identifiers: MedGen C0950123, MeSH D030342.
Saldino-Mainzer syndrome (SRTD9). Also called: CONORENAL SYNDROME; Renal dysplasia, retinal pigmentary dystrophy, cerebellar ataxia and skeletal dysplasia; short-rib thoracic dysplasia 9 with or without polydactyly; SHORT-RIB THORACIC DYSPLASIA 9 WITHOUT POLYDACTYLY. Identifiers: Orphanet 140969, MedGen C1849437, MONDO:0009964, OMIM 266920.

gnomAD v4.1: 33 of 1,614,228 alleles (0.002%); highest among the groups gnomAD compares: Non-Finnish European, 0.0028%; no homozygotes.

Submissions (2):

Labcorp Genetics (formerly Invitae), Labcorp
Classification: Uncertain significance for Saldino-Mainzer syndrome. Last evaluated: 2025-11-23. Review status: criteria provided, single submitter. Criteria: Invitae Variant Classification Sherloc (09022015). Collection method: clinical testing. Allele origin: germline.
Comment: This sequence change replaces serine, which is neutral and polar, with asparagine, which is neutral and polar, at codon 189 of the IFT140 protein (p.Ser189Asn). This variant is present in population databases (rs750112852, gnomAD 0.002%). This variant has not been reported in the literature in individuals affected with IFT140-related conditions. ClinVar contains an entry for this variant (Variation ID: 3859617). Invitae Evidence Modeling of protein sequence and biophysical properties (such as structural, functional, and spatial information, amino acid conservation, physicochemical variation, residue mobility, and thermodynamic stability) indicates that this missense variant is not expected to disrupt IFT140 protein function with a negative predictive value of 95%. In summary, the available evidence is currently insufficient to determine the role of this variant in disease. Therefore, it has been classified as a Variant of Uncertain Significance.

Ambry Genetics
Classification: Uncertain significance for Inborn genetic diseases. Last evaluated: 2024-12-30. Review status: criteria provided, single submitter. Criteria: Ambry Variant Classification Scheme 2023. Collection method: clinical testing. Allele origin: germline.

NM_014714.4(IFT140):c.566G>A (p.Ser189Asn)

Genes: IFT140 (intraflagellar transport 140; minus strand), LOC105371046 (uncharacterized LOC105371046; plus strand). Cytogenetic location: 16p13.3.
Variant type: single nucleotide variant.
Coding change: c.566G>A on transcript NM_014714.4 (MANE Select); coding-DNA position 566, G replaced by A.
Protein change: p.Ser189Asn; replaces serine 189 with asparagine.
Molecular consequence: missense variant.
Genome position (GRCh38, 1-based): chr16:1,592,244, C>T on the plus strand (G>A on the coding strand, the complement: IFT140 is on the minus strand). VCF-style: chr16-1592244-C-T. GRCh37 (hg19) VCF-style: chr16-1642245-C-T.
Other names: short protein forms S189N.
Identifiers: ClinVar variation 3859617 (VCV003859617.2).